The following is an entry in ClinVar:

NM_003086.4(SNAPC4):c.4204G>A (p.Asp1402Asn)

Gene: SNAPC4 (small nuclear RNA activating complex polypeptide 4; minus strand). Cytogenetic location: 9q34.3.
Variant type: single nucleotide variant.
Coding change: c.4204G>A on transcript NM_003086.4 (MANE Select); coding-DNA position 4204, G replaced by A.
Protein change: p.Asp1402Asn; replaces aspartic acid 1402 with asparagine.
Molecular consequence: missense variant.
Genome position (GRCh38, 1-based): chr9:136,377,623, C>T on the plus strand (G>A on the coding strand, the complement: SNAPC4 is on the minus strand). VCF-style: chr9-136377623-C-T. GRCh37 (hg19) VCF-style: chr9-139272075-C-T.
Other names: c.4204G>A, p.Asp1402Asn (NM_001394201.1); c.4120G>A, p.Asp1374Asn (NM_001394202.1, NM_001394203.1); short protein forms D1374N, D1402N.
Identifiers: ClinVar variation 4838292 (VCV004838292.1).

ClinVar aggregate classification (germline): Uncertain significance (1 of 4 stars; one submission).

Conditions:
Inborn genetic diseases. Identifiers: MedGen C0950123, MeSH D030342.

Submission:

Ambry Genetics
Classification: Uncertain significance for Inborn genetic diseases. Last evaluated: 2025-12-22. Review status: criteria provided, single submitter. Criteria: Ambry Variant Classification Scheme 2023. Collection method: clinical testing. Allele origin: germline.
Comment: The c.4204G>A (p.D1402N) alteration is located in exon 21 (coding exon 21) of the SNAPC4 gene. This alteration results from a G to A substitution at nucleotide position 4204, causing the aspartic acid (D) at amino acid position 1402 to be replaced by an asparagine (N). Based on data from gnomAD, the A allele has an overall frequency of <0.001% (0/222058) total alleles studied. The highest observed frequency was <0.001% (/) of alleles. Based on insufficient or conflicting evidence, the clinical significance of this alteration remains unclear.